The following is an entry in ClinVar:

NM_001003787.4(STRADA):c.997C>T (p.Arg333Trp)

Gene: STRADA (STE20 related adaptor alpha; minus strand). Cytogenetic location: 17q23.3.
Variant type: single nucleotide variant.
Coding change: c.997C>T on transcript NM_001003787.4 (MANE Select); coding-DNA position 997, C replaced by T.
Protein change: p.Arg333Trp; replaces arginine 333 with tryptophan.
Molecular consequence: missense variant. On other transcripts: non-coding transcript variant (1).
Genome position (GRCh38, 1-based): chr17:63,704,444, G>A on the plus strand (C>T on the coding strand, the complement: STRADA is on the minus strand). VCF-style: chr17-63704444-G-A. GRCh37 (hg19) VCF-style: chr17-61781804-G-A.
Other names: c.886C>T, p.Arg296Trp (NM_001003786.3, NM_001363789.1, NM_153335.6); c.823C>T, p.Arg275Trp (NM_001003788.3, NM_001363790.1, NM_001363791.1); c.910C>T, p.Arg304Trp (NM_001165969.2, NM_001363787.1); c.865C>T, p.Arg289Trp (NM_001165970.2); c.973C>T, p.Arg325Trp (NM_001363786.1); c.997C>T, p.Arg333Trp (NM_001363788.1); short protein forms R275W, R325W, R333W, R296W, R304W, R289W.
Identifiers: ClinVar variation 640222 (VCV000640222.5), dbSNP rs761989598, ClinGen allele CA8703167.

ClinVar aggregate classification (germline): Uncertain significance. Review status: criteria provided, multiple submitters, no conflicts (2 of 4 stars). 2 submissions from 2 submitters: Uncertain significance (2). Last evaluated 2024-09-24.

Conditions:
Polyhydramnios, megalencephaly, and symptomatic epilepsy (PMSE). Also called: PMSE SYNDROME. Identifiers: Orphanet 500533, MedGen C1970203, MONDO:0012611, OMIM 611087.
Inborn genetic diseases. Identifiers: MedGen C0950123, MeSH D030342.

Allele frequency attached by ClinVar (database versions not stated): gnomAD 0.00005; gnomAD exomes 0.00005 and 0.00009; TOPMed 0.00005; ExAC 0.00011.
gnomAD v4.1: 37 of 1,611,400 alleles (0.0023%); highest among the groups gnomAD compares: Admixed American, 0.04%; no homozygotes.

Submissions (2):

Ambry Genetics
Classification: Uncertain significance for Inborn genetic diseases. Last evaluated: 2024-09-24. Review status: criteria provided, single submitter. Criteria: Ambry Variant Classification Scheme 2023. Collection method: clinical testing. Allele origin: germline.

Labcorp Genetics (formerly Invitae), Labcorp
Classification: Uncertain significance for Polyhydramnios, megalencephaly, and symptomatic epilepsy. Last evaluated: 2023-11-27. Review status: criteria provided, single submitter. Criteria: Invitae Variant Classification Sherloc (09022015). Collection method: clinical testing. Allele origin: germline.
Comment: This sequence change replaces arginine, which is basic and polar, with tryptophan, which is neutral and slightly polar, at codon 333 of the STRADA protein (p.Arg333Trp). This variant is present in population databases (rs761989598, gnomAD 0.06%). This variant has not been reported in the literature in individuals affected with STRADA-related conditions. ClinVar contains an entry for this variant (Variation ID: 640222). An algorithm developed to predict the effect of missense changes on protein structure and function (PolyPhen-2) suggests that this variant is likely to be disruptive. In summary, the available evidence is currently insufficient to determine the role of this variant in disease. Therefore, it has been classified as a Variant of Uncertain Significance.